The following is an entry in ClinVar:

NM_015541.3(LRIG1):c.1923C>T (p.Pro641=)

Gene: LRIG1 (leucine rich repeats and immunoglobulin like domains 1; minus strand). Cytogenetic location: 3p14.1.
Variant type: single nucleotide variant.
Coding change: c.1923C>T on transcript NM_015541.3 (MANE Select); coding-DNA position 1923, C replaced by T.
Protein change: p.Pro641=; no amino-acid change (proline 641 retained).
Molecular consequence: synonymous variant.
Genome position (GRCh38, 1-based): chr3:66,384,139, G>A on the plus strand (C>T on the coding strand, the complement: LRIG1 is on the minus strand). VCF-style: chr3-66384139-G-A. GRCh37 (hg19) VCF-style: chr3-66434563-G-A.
Other names: c.1848C>T, p.Pro616= (NM_001377344.1); c.1143C>T, p.Pro381= (NM_001377345.1, NM_001377346.1); c.921C>T, p.Pro307= (NM_001377347.1); c.894C>T, p.Pro298= (NM_001377348.1); c.639C>T, p.Pro213= (NM_001377349.1).
Identifiers: ClinVar variation 3038774 (VCV003038774.18), dbSNP rs143105894, ClinGen allele CA2484571.

ClinVar aggregate classification (germline): Likely benign. Review status: criteria provided, single submitter (1 of 4 stars). 2 submissions from 2 submitters: Likely benign (1). 1 of the submissions does not count toward it. Last evaluated 2024-07-01.

Conditions:
LRIG1-related disorder. Also called: LRIG1-related condition.

Allele frequency attached by ClinVar (database versions not stated): 1000 Genomes Project 30x 0.00031; ESP Exome Variant Server 0.00031; gnomAD exomes 0.00031; TOPMed 0.00033; 1000 Genomes Project 0.00040; gnomAD 0.00042; ExAC 0.00060.
gnomAD v4.1: 522 of 1,614,164 alleles (0.032%); highest among the groups gnomAD compares: South Asian, 0.3%; 3 homozygotes.

Submissions (2):

CeGaT Center for Human Genetics Tuebingen
Classification: Likely benign. Last evaluated: 2024-07-01. Review status: criteria provided, single submitter. Criteria: CeGaT Center For Human Genetics Tuebingen Variant Classification Criteria Version 2. Collection method: clinical testing. Allele origin: germline. Affected: yes. Observed: 1 variant allele.
Comment: LRIG1: BP4, BP7

PreventionGenetics, part of Exact Sciences
Classification: Likely benign for LRIG1-related condition. Last evaluated: 2019-05-24. Review status: no assertion criteria provided. Collection method: clinical testing. Allele origin: germline. Not counted in ClinVar's aggregate classification.
Comment: This variant is classified as likely benign based on ACMG/AMP sequence variant interpretation guidelines (Richards et al. 2015 PMID: 25741868, with internal and published modifications).